The following is an entry in ClinVar:

ClinVar aggregate classification (germline): Uncertain significance (1 of 4 stars; one submission).

Conditions:
Hereditary cancer-predisposing syndrome. Also called: Neoplastic Syndromes, Hereditary; Tumor predisposition; Hereditary Cancer Syndrome; Hereditary neoplastic syndrome. Identifiers: Orphanet 140162, MedGen C0027672, MeSH D009386, MONDO:0015356.

Submission:

Ambry Genetics
Classification: Uncertain significance for Hereditary cancer-predisposing syndrome. Last evaluated: 2025-09-26. Review status: criteria provided, single submitter. Criteria: Ambry Variant Classification Scheme 2023. Collection method: clinical testing. Allele origin: germline.
Comment: The p.F2138L variant (also known as c.6414C>A), located in coding exon 46 of the POLE gene, results from a C to A substitution at nucleotide position 6414. The phenylalanine at codon 2138 is replaced by leucine, an amino acid with highly similar properties. This amino acid position is conserved. In addition, this alteration is predicted to be tolerated by in silico analysis. Based on the available evidence, the clinical significance of this variant remains unclear.

NM_006231.4(POLE):c.6414C>A (p.Phe2138Leu)

Gene: POLE (DNA polymerase epsilon, catalytic subunit; minus strand). Cytogenetic location: 12q24.33.
Variant type: single nucleotide variant.
Coding change: c.6414C>A on transcript NM_006231.4 (MANE Select); coding-DNA position 6414, C replaced by A.
Protein change: p.Phe2138Leu; replaces phenylalanine 2138 with leucine.
Molecular consequence: missense variant.
Genome position (GRCh38, 1-based): chr12:132,626,234, G>T on the plus strand (C>A on the coding strand, the complement: POLE is on the minus strand). VCF-style: chr12-132626234-G-T. GRCh37 (hg19) VCF-style: chr12-133202820-G-T.
Other names: short protein forms F2138L.
Identifiers: ClinVar variation 4670455 (VCV004670455.1).